The following is an entry in ClinVar:

NM_001852.4(COL9A2):c.1360G>A (p.Gly454Ser)

Gene: COL9A2 (collagen type IX alpha 2 chain; minus strand). Cytogenetic location: 1p34.2.
Variant type: single nucleotide variant.
Coding change: c.1360G>A on transcript NM_001852.4 (MANE Select); coding-DNA position 1360, G replaced by A.
Protein change: p.Gly454Ser; replaces glycine 454 with serine.
Molecular consequence: missense variant.
Genome position (GRCh38, 1-based): chr1:40,303,936, C>T on the plus strand (G>A on the coding strand, the complement: COL9A2 is on the minus strand). VCF-style: chr1-40303936-C-T. GRCh37 (hg19) VCF-style: chr1-40769608-C-T.
Other names: short protein forms G454S.
Identifiers: ClinVar variation 4991658 (VCV004991658.1).

ClinVar aggregate classification (germline): Uncertain significance (1 of 4 stars; one submission).

Conditions:
COL9A2-related disorder. Also called: COL9A2-related condition.

gnomAD v4.1: 1 of 1,557,672 alleles (0.000064%); highest among the groups gnomAD compares: Non-Finnish European, 0.000087%; no homozygotes.

Submission:

PreventionGenetics, part of Exact Sciences
Classification: Uncertain significance for COL9A2-related condition. Last evaluated: 2026-02-04. Review status: criteria provided, single submitter. Criteria: ACMG Guidelines, 2015. Collection method: clinical testing. Allele origin: germline.
Comment: The COL9A2 c.1360G>A variant is predicted to result in the amino acid substitution p.Gly454Ser. To our knowledge, this variant has not been reported in the literature or in a large population database (gnomAD), indicating this variant is rare. At this time, the clinical significance of this variant is uncertain due to the absence of conclusive functional and genetic evidence.